The following is an entry in ClinVar:

ClinVar aggregate classification (germline): Likely benign (1 of 4 stars; one submission).

Allele frequency attached by ClinVar (database versions not stated): TOPMed 0.00001 and 0.00003; gnomAD exomes 0.00002; gnomAD 0.00003.
gnomAD v4.1: 64 of 1,559,276 alleles (0.0041%); highest among the groups gnomAD compares: Non-Finnish European, 0.0055%; no homozygotes.

Submission:

GeneDx
Classification: Likely benign. Last evaluated: 2016-08-11. Review status: criteria provided, single submitter. Criteria: GeneDx Variant Classification (06012015). Collection method: clinical testing. Allele origin: germline. Affected: yes.
Comment: This variant is considered likely benign or benign based on one or more of the following criteria: it is a conservative change, it occurs at a poorly conserved position in the protein, it is predicted to be benign by multiple in silico algorithms, and/or has population frequency not consistent with disease.

NM_001085372.3(UQCC3):c.*11G>A

Genes: UQCC3 (ubiquinol-cytochrome c reductase complex assembly factor 3; plus strand), LBHD1 (LBH domain containing 1; minus strand). Cytogenetic location: 11q12.3.
Variant type: single nucleotide variant.
Coding change: c.*11G>A on transcript NM_001085372.3 (MANE Select); 11 bases downstream of the stop codon, G replaced by A.
Molecular consequence: 3 prime UTR variant.
Genome position (GRCh38, 1-based): chr11:62,672,125, G>A. VCF-style: chr11-62672125-G-A. GRCh37 (hg19) VCF-style: chr11-62439597-G-A.
Identifiers: ClinVar variation 388355 (VCV000388355.1), dbSNP rs1057523079, ClinGen allele CA16606347.